The following is an entry in ClinVar:

NM_000548.5(TSC2):c.2677A>T (p.Ile893Leu)

Gene: TSC2 (TSC complex subunit 2; plus strand). Cytogenetic location: 16p13.3.
Variant type: single nucleotide variant.
Coding change: c.2677A>T on transcript NM_000548.5 (MANE Select); coding-DNA position 2677, A replaced by T.
Protein change: p.Ile893Leu; replaces isoleucine 893 with leucine.
Molecular consequence: missense variant.
Genome position (GRCh38, 1-based): chr16:2,076,105, A>T. VCF-style: chr16-2076105-A-T. GRCh37 (hg19) VCF-style: chr16-2126106-A-T.
Other names: c.2677A>T, p.Ile893Leu (NM_001077183.3, NM_001114382.3, NM_001363528.2 and 3 more transcripts); c.2566A>T, p.Ile856Leu (NM_001318827.2); c.2530A>T, p.Ile844Leu (NM_001318829.2); c.2077A>T, p.Ile693Leu (NM_001318831.2); c.2710A>T, p.Ile904Leu (NM_001318832.2); short protein forms I844L, I856L, I893L, I693L, I904L.
Identifiers: ClinVar variation 1444363 (VCV001444363.6), dbSNP rs2151387209, ClinGen allele CA394279321.
Genomic context (GRCh38, chr16:2,076,105, plus strand): 5'-TGCCAGCCCCCTTCTCATCTCAGGTTTAATCAGTACATCGTGTGTCTGGCCCATCACGTC[A>T]TAGCCATGTGGTTCATCAGGTGCCGCCTGCCCTTCCGGAAGGATTTTGTCCCTTTCATCA-3'
Protein context (NP_000539.2, residues 883-903): QYIVCLAHHV[Ile893Leu]AMWFIRCRLP

ClinVar aggregate classification (germline): Uncertain significance (1 of 4 stars; one submission).

Conditions:
Tuberous sclerosis 2 (TSC2). Identifiers: Orphanet 805, MedGen C1860707, MONDO:0013199, OMIM 613254.

Submission:

Labcorp Genetics (formerly Invitae), Labcorp
Classification: Uncertain significance for Tuberous sclerosis 2. Last evaluated: 2021-07-29. Review status: criteria provided, single submitter. Criteria: Invitae Variant Classification Sherloc (09022015). Collection method: clinical testing. Allele origin: germline.
Comment: This sequence change replaces isoleucine with leucine at codon 893 of the TSC2 protein (p.Ile893Leu). The isoleucine residue is highly conserved and there is a small physicochemical difference between isoleucine and leucine. This variant is not present in population databases (ExAC no frequency). This variant has not been reported in the literature in individuals affected with TSC2-related conditions. Advanced modeling of protein sequence and biophysical properties (such as structural, functional, and spatial information, amino acid conservation, physicochemical variation, residue mobility, and thermodynamic stability) performed at Invitae indicates that this missense variant is not expected to disrupt TSC2 protein function. In summary, the available evidence is currently insufficient to determine the role of this variant in disease. Therefore, it has been classified as a Variant of Uncertain Significance.